The following is an entry in ClinVar:

NC_000017.10:g.(?_29645324)_(29653290_?)dup

Genes: EVI2A (ecotropic viral integration site 2A; minus strand), NF1 (neurofibromin 1; plus strand). Cytogenetic location: 17q11.2.
Variant type: Duplication.
Identifiers: ClinVar variation 3242890 (VCV003242890.1).

ClinVar aggregate classification (germline): Likely pathogenic (1 of 4 stars; one submission).

Conditions:
Neurofibromatosis, type 1 (NF1). Also called: VON RECKLINGHAUSEN DISEASE; Neurofibromatosis, type I; Peripheral type neurofibromatosis; NEUROFIBROMATOSIS, TYPE I, SOMATIC. Identifiers: Orphanet 636, MedGen C0027831, MONDO:0018975, OMIM 162200. Disease mechanism: loss of function.

Submission:

Labcorp Genetics (formerly Invitae), Labcorp
Classification: Likely pathogenic for Neurofibromatosis, type 1. Last evaluated: 2023-11-06. Review status: criteria provided, single submitter. Criteria: Invitae Variant Classification Sherloc (09022015). Collection method: clinical testing. Allele origin: unknown.
Comment: This variant results in a copy number gain of the genomic region encompassing exon(s) 36 of the NF1 gene. While the exact position of this variant cannot be determined from the data, sub-genic copy number gains are generally in tandem (PMID: 25640679). This variant is predicted to be out-of-frame, and may result in an absent or disrupted protein product. Loss-of-function variants in NF1 are known to be pathogenic (PMID: 10712197, 23913538). This variant has not been reported in the literature in individuals affected with NF1-related conditions. In summary, the currently available evidence indicates that the variant is pathogenic, but additional data are needed to prove that conclusively. Therefore, this variant has been classified as Likely Pathogenic.

Literature cited by the submitters: PubMed 25640679; PubMed 10712197; PubMed 23913538.